The following is an entry in ClinVar:

NM_003906.5(MCM3AP):c.832G>C (p.Val278Leu)

Gene: MCM3AP (minichromosome maintenance complex component 3 associated protein; minus strand). Cytogenetic location: 21q22.3.
Variant type: single nucleotide variant.
Coding change: c.832G>C on transcript NM_003906.5 (MANE Select); coding-DNA position 832, G replaced by C.
Protein change: p.Val278Leu; replaces valine 278 with leucine.
Molecular consequence: missense variant.
Genome position (GRCh38, 1-based): chr21:46,284,455, C>G on the plus strand (G>C on the coding strand, the complement: MCM3AP is on the minus strand). VCF-style: chr21-46284455-C-G. GRCh37 (hg19) VCF-style: chr21-47704369-C-G.
Other names: short protein forms V278L.
Identifiers: ClinVar variation 1954372 (VCV001954372.2), dbSNP rs562887328, ClinGen allele CA410534287.
Genomic context (GRCh38, chr21:46,284,455, plus strand): 5'-CCTGGTCCTCCTTCCTTTTCAGTCCTTTCATTAGGCTGGGAAGTGGTTCCACCTGGGAAA[C>G]AGCTTCTTCACACCCCTGCCTGACACCTGCTTTGCTAGCCTGGAAAGGTTCGCCCAAAAC-3'
Protein context (NP_003897.2, residues 268-288): AGVRQGCEEA[Val278Leu]SQVEPLPSLM

ClinVar aggregate classification (germline): Uncertain significance (1 of 4 stars; one submission).

gnomAD v4.1: 2 of 1,614,154 alleles (0.00012%); highest among the groups gnomAD compares: South Asian, 0.0011%; no homozygotes.

Submission:

Labcorp Genetics (formerly Invitae), Labcorp
Classification: Uncertain significance. Last evaluated: 2022-03-26. Review status: criteria provided, single submitter. Criteria: Invitae Variant Classification Sherloc (09022015). Collection method: clinical testing. Allele origin: germline.
Comment: This sequence change replaces valine, which is neutral and non-polar, with leucine, which is neutral and non-polar, at codon 278 of the MCM3AP protein (p.Val278Leu). This variant is not present in population databases (gnomAD no frequency). This variant has not been reported in the literature in individuals affected with MCM3AP-related conditions. Algorithms developed to predict the effect of missense changes on protein structure and function (SIFT, PolyPhen-2, Align-GVGD) all suggest that this variant is likely to be tolerated. In summary, the available evidence is currently insufficient to determine the role of this variant in disease. Therefore, it has been classified as a Variant of Uncertain Significance.